The following is an entry in ClinVar:

NM_013339.4(ALG6):c.132dup (p.Gln45fs)

Gene: ALG6 (ALG6 alpha-1,3-glucosyltransferase; plus strand). Cytogenetic location: 1p31.3.
Variant type: Duplication.
Coding change: c.132dup on transcript NM_013339.4 (MANE Select); coding-DNA position 132, one base duplicated (G; older notation c.132dupG).
Protein change: p.Gln45fs; shifts the reading frame from glutamine 45.
Molecular consequence: frameshift variant.
Genome position (GRCh38, 1-based): chr1:63,396,562, G duplicated; the last of 2 consecutive G bases (chr1:63,396,561-63,396,562); duplicating either gives the same sequence. VCF-style (leftmost placement, unchanged base first): chr1-63396560-T-TG. GRCh37 (hg19) VCF-style: chr1-63862231-T-TG.
Other names: short protein forms Q45fs.
Identifiers: ClinVar variation 5012640 (VCV005012640.1).

ClinVar aggregate classification (germline): Pathogenic (1 of 4 stars; one submission).

Conditions:
ALG6-congenital disorder of glycosylation 1C (CDG1C). Also called: CDG Ic; CARBOHYDRATE-DEFICIENT GLYCOPROTEIN SYNDROME, TYPE I, WITH DEFICIENT GLYCOSYLATION OF DOLICHOL-LINKED OLIGOSACCHARIDE; CARBOHYDRATE-DEFICIENT GLYCOPROTEIN SYNDROME, TYPE V; Congenital disorder of glycosylation type 1C; Congenital disorder of glycosylation, type Ic. Identifiers: Orphanet 79320, MedGen C2930997, MONDO:0011291, OMIM 603147.

Submission:

Myriad Genetics, Inc.
Classification: Pathogenic for ALG6-congenital disorder of glycosylation 1C. Last evaluated: 2024-01-10. Review status: criteria provided, single submitter. Criteria: Myriad Autosomal Dominant, Autosomal Recessive and X-Linked Classification Criteria (2023). Collection method: clinical testing. Allele origin: unknown.
Comment: NM_013339.3(ALG6):c.132dupG(Q45Afs*6) is expected to be pathogenic in the context of congenital disorder of glycosylation, ALG6-related. This variant is predicted to lead to an abnormal or absent protein product due to the creation of a premature termination codon in ALG6, a gene where loss-of-function variants are known to be pathogenic. Please note: this variant was assessed in the context of healthy population screening.